The following is an entry in ClinVar:

ClinVar aggregate classification (germline): Benign/Likely benign. Review status: criteria provided, multiple submitters, no conflicts (2 of 4 stars). 13 submissions from 13 submitters: Benign (7); Likely benign (4). 2 of the submissions do not count toward it. Last evaluated 2026-02-03.

Conditions:
TSC2-related disorder. Also called: TSC2-Related Disorders; TSC2-related condition.
Hereditary cancer-predisposing syndrome. Also called: Tumor predisposition; Neoplastic Syndromes, Hereditary; Hereditary neoplastic syndrome; Hereditary Cancer Syndrome. Identifiers: Orphanet 140162, MedGen C0027672, MeSH D009386, MONDO:0015356.
Tuberous sclerosis syndrome (TSC). Also called: Tuberous Sclerosis Complex; Tuberous sclerosis. Identifiers: Orphanet 805, MedGen C0041341, MONDO:0001734.
Tuberous sclerosis 2 (TSC2). Identifiers: Orphanet 805, MedGen C1860707, MONDO:0013199, OMIM 613254.

Allele frequency attached by ClinVar (database versions not stated): gnomAD exomes 0.00005 and 0.00015; ExAC 0.00021; ESP Exome Variant Server 0.00046; gnomAD 0.00054; TOPMed 0.00055; 1000 Genomes Project 0.00060; 1000 Genomes Project 30x 0.00078.
gnomAD v4.1: 158 of 1,613,694 alleles (0.0098%); highest among the groups gnomAD compares: African/African-American, 0.17%; no homozygotes.

Submissions (13):

Labcorp Genetics (formerly Invitae), Labcorp
Classification: Benign for Tuberous sclerosis 2. Last evaluated: 2026-02-03. Review status: criteria provided, single submitter. Criteria: Invitae Variant Classification Sherloc (09022015). Collection method: clinical testing. Allele origin: germline.

Blueprint Genetics
Classification: Likely benign. Last evaluated: 2024-06-11. Review status: criteria provided, single submitter. Criteria: ACMG Guidelines, 2015. Collection method: clinical testing. Allele origin: germline.

Myriad Genetics, Inc.
Classification: Benign for Tuberous sclerosis 2. Last evaluated: 2024-06-05. Review status: criteria provided, single submitter. Criteria: Myriad Autosomal Dominant, Autosomal Recessive and X-Linked Classification Criteria (2023). Collection method: clinical testing. Allele origin: unknown.
Comment: This variant is considered benign. Homozygosity has been confirmed in one or more individuals. As homozygosity for pathogenic variants in this gene is generally assumed to result in embryonic lethality, this variant is unlikely to be pathogenic. This variant has been observed at a population frequency that is significantly greater than expected given the associated disease prevalence and penetrance.

Quest Diagnostics Nichols Institute San Juan Capistrano
Classification: Benign. Last evaluated: 2022-11-21. Review status: criteria provided, single submitter. Criteria: Quest Diagnostics criteria. Collection method: clinical testing. Allele origin: unknown.
Comment: The frequency of this variant in the general population is higher than would generally be expected for pathogenic variants in this gene.

Color Diagnostics, LLC DBA Color Health
Classification: Benign for Tuberous sclerosis syndrome. Last evaluated: 2022-08-31. Review status: criteria provided, single submitter. Criteria: ACMG Guidelines, 2015. Collection method: clinical testing. Allele origin: germline.

Genome-Nilou Lab
Classification: Benign for Tuberous sclerosis 2. Last evaluated: 2021-11-07. Review status: criteria provided, single submitter. Criteria: ACMG Guidelines, 2015. Collection method: clinical testing. Allele origin: germline. Affected: no.

Sema4
Classification: Likely benign for Hereditary cancer-predisposing syndrome. Last evaluated: 2021-06-03. Review status: criteria provided, single submitter. Criteria: Sema4 Curation Guidelines. Collection method: curation. Allele origin: germline.

Women's Health and Genetics/Laboratory Corporation of America, LabCorp
Classification: Benign. Last evaluated: 2021-05-30. Review status: criteria provided, single submitter. Criteria: LabCorp Variant Classification Summary - May 2015. Collection method: clinical testing. Allele origin: germline.
Comment: Variant summary: TSC2 c.1609C>T (p.Arg537Cys) results in a non-conservative amino acid change in the encoded protein sequence. Three of five in-silico tools predict a damaging effect of the variant on protein function. The variant allele was found at a frequency of 0.00015 in 250188 control chromosomes. The observed variant frequency is approximately 2 fold of the estimated maximal expected allele frequency for a pathogenic variant in TSC2 causing Tuberous Sclerosis Complex phenotype (6.9e-05), strongly suggesting that the variant is benign. Although this variant has been reported in the literature, to our knowledge, no occurrence of c.1609C>T in individuals affected with Tuberous Sclerosis Complex and no experimental evidence demonstrating its impact on protein function have been reported. Four clinical diagnostic laboratories have submitted clinical-significance assessments for this variant to ClinVar after 2014 without evidence for independent evaluation. All laboratories classified the variant as benign (n=1)/likely benign (n=3). Based on the evidence outlined above, the variant was classified as benign.

GeneDx
Classification: Benign. Last evaluated: 2020-11-23. Review status: criteria provided, single submitter. Criteria: GeneDx Variant Classification Process June 2021. Collection method: clinical testing. Allele origin: germline. Affected: yes.
Comment: This variant is associated with the following publications: (PMID: 23514105, 21624971, 28407358, 28250423, 30564305)

Laboratory for Molecular Medicine, Mass General Brigham Personalized Medicine
Classification: Likely benign. Last evaluated: 2019-08-28. Review status: criteria provided, single submitter. Criteria: LMM Criteria. Collection method: clinical testing. Allele origin: germline. Observed: 1 variant allele.
Comment: proposed classification - variant undergoing re-assessment, contact laboratory

Ambry Genetics
Classification: Likely benign for Hereditary cancer-predisposing syndrome. Last evaluated: 2018-09-26. Review status: criteria provided, single submitter. Criteria: Ambry Variant Classification Scheme 2023. Collection method: clinical testing. Allele origin: germline.

PreventionGenetics, part of Exact Sciences
Classification: Likely benign for TSC2-related condition. Last evaluated: 2022-09-13. Review status: no assertion criteria provided. Collection method: clinical testing. Allele origin: germline. Not counted in ClinVar's aggregate classification.
Comment: This variant is classified as likely benign based on ACMG/AMP sequence variant interpretation guidelines (Richards et al. 2015 PMID: 25741868, with internal and published modifications).

Tuberous sclerosis database (TSC2)
No classification provided. Condition: TSC. Review status: no classification provided. Criteria: Tuberous Sclerosis Database Assertion Criteria 2015. Collection method: curation. Allele origin: germline. Affected: yes. Not counted in ClinVar's aggregate classification.

Literature cited by the submitters: PubMed 28250423 (cited by Ambry Genetics).

NM_000548.5(TSC2):c.1609C>T (p.Arg537Cys)

Gene: TSC2 (TSC complex subunit 2; plus strand). Cytogenetic location: 16p13.3.
Variant type: single nucleotide variant.
Coding change: c.1609C>T on transcript NM_000548.5 (MANE Select); coding-DNA position 1609, C replaced by T.
Protein change: p.Arg537Cys; replaces arginine 537 with cysteine.
Molecular consequence: missense variant.
Genome position (GRCh38, 1-based): chr16:2,065,528, C>T. VCF-style: chr16-2065528-C-T. GRCh37 (hg19) VCF-style: chr16-2115529-C-T.
Other names: c.1609C>T, p.Arg537Cys (NM_001077183.3, NM_001114382.3, NM_001363528.2 and 3 more transcripts); c.1498C>T, p.Arg500Cys (NM_001318827.2); c.1462C>T, p.Arg488Cys (NM_001318829.2); c.1009C>T, p.Arg337Cys (NM_001318831.2); c.1642C>T, p.Arg548Cys (NM_001318832.2); short protein forms R537C, R337C, R488C, R548C, R500C.
Identifiers: ClinVar variation 64976 (VCV000064976.34), dbSNP rs142257684, ClinGen allele CA015300.